The following is an entry in ClinVar:

ClinVar aggregate classification (germline): Likely benign. Review status: criteria provided, single submitter (1 of 4 stars). 2 submissions from 2 submitters: Likely benign (1). 1 of the submissions does not count toward it. Last evaluated 2024-10-01.

Conditions:
HNRNPH2-related disorder. Also called: HNRNPH2-related condition.

Allele frequency attached by ClinVar (database versions not stated): gnomAD exomes 0.00001; TOPMed 0.00001; ExAC 0.00002; gnomAD 0.00002.
gnomAD v4.1: 14 of 1,209,642 alleles (0.0012%); highest among the groups gnomAD compares: Middle Eastern, 0.023%; no homozygotes.

Submissions (2):

CeGaT Center for Human Genetics Tuebingen
Classification: Likely benign. Last evaluated: 2024-10-01. Review status: criteria provided, single submitter. Criteria: CeGaT Center For Human Genetics Tuebingen Variant Classification Criteria Version 2. Collection method: clinical testing. Allele origin: germline. Affected: yes. Observed: 1 variant allele.
Comment: HNRNPH2: BP4, BP7, BS2

PreventionGenetics, part of Exact Sciences
Classification: Likely benign for HNRNPH2-related condition. Last evaluated: 2019-02-20. Review status: no assertion criteria provided. Collection method: clinical testing. Allele origin: germline. Not counted in ClinVar's aggregate classification.
Comment: This variant is classified as likely benign based on ACMG/AMP sequence variant interpretation guidelines (Richards et al. 2015 PMID: 25741868, with internal and published modifications).

NM_019597.5(HNRNPH2):c.1170C>T (p.Gly390=)

Genes: HNRNPH2 (heterogeneous nuclear ribonucleoprotein H2; plus strand), RPL36A-HNRNPH2 (RPL36A-HNRNPH2 readthrough; plus strand). Cytogenetic location: Xq22.1.
Variant type: single nucleotide variant.
Coding change: c.1170C>T on transcript NM_019597.5 (MANE Select); coding-DNA position 1170, C replaced by T.
Protein change: p.Gly390=; no amino-acid change (glycine 390 retained).
Molecular consequence: synonymous variant. On other transcripts: 3 prime UTR variant (2).
Genome position (GRCh38, 1-based): chrX:101,413,158, C>T. VCF-style: chrX-101413158-C-T. GRCh37 (hg19) VCF-style: chrX-100668146-C-T.
Other names: c.*1166C>T (NM_001199973.2, NM_001199974.2); c.1170C>T, p.Gly390= (NM_001032393.3).
Identifiers: ClinVar variation 3046936 (VCV003046936.16), dbSNP rs782414019, ClinGen allele CA10473503.